The following is an entry in ClinVar:

NM_153460.4(IL17RC):c.965T>G (p.Leu322Arg)

Gene: IL17RC (interleukin 17 receptor C; plus strand). Cytogenetic location: 3p25.3.
Variant type: single nucleotide variant.
Coding change: c.965T>G on transcript NM_153460.4 (MANE Select); coding-DNA position 965, T replaced by G.
Protein change: p.Leu322Arg; replaces leucine 322 with arginine.
Molecular consequence: missense variant. On other transcripts: non-coding transcript variant (1).
Genome position (GRCh38, 1-based): chr3:9,928,392, T>G. VCF-style: chr3-9928392-T-G. GRCh37 (hg19) VCF-style: chr3-9970076-T-G.
Other names: c.965T>G, p.Leu322Arg (NM_001203263.2, NM_001203264.2); c.920T>G, p.Leu307Arg (NM_001203265.2, NM_001367280.1, NM_001410711.1 and 1 more transcripts); c.926T>G, p.Leu309Arg (NM_001367278.1); c.845T>G, p.Leu282Arg (NM_001367279.1); c.1178T>G, p.Leu393Arg (NM_153461.4); short protein forms L309R, L282R, L393R, L322R, L307R.
Identifiers: ClinVar variation 3010791 (VCV003010791.3), dbSNP rs2470308107, ClinGen allele CA351761718.
Genomic context (GRCh38, chr3:9,928,392, plus strand): 5'-AAGCCGCCCGACTGCAACTGCTGACCCTGCAGAGCTGGCTGCTGGACGCACCGTGCTCGC[T>G]GCCCGCAGAAGCGGCACTGTGCTGGCGGGCTCCGGGTGGGGACCCCTGCCAGCCACTGGT-3'
Protein context (NP_703190.2, residues 312-332): QSWLLDAPCS[Leu322Arg]PAEAALCWRA

ClinVar aggregate classification (germline): Uncertain significance (1 of 4 stars; one submission).

Conditions:
Candidiasis, familial, 9 (CANDF9). Identifiers: Orphanet 1334, MedGen C4225324, MONDO:0014642, OMIM 616445.

Allele frequency attached by ClinVar (database versions not stated): gnomAD exomes below 0.00001.
gnomAD v4.1: 4 of 1,605,314 alleles (0.00025%); highest among the groups gnomAD compares: Non-Finnish European, 0.00034%; no homozygotes.

Submission:

Labcorp Genetics (formerly Invitae), Labcorp
Classification: Uncertain significance for Candidiasis, familial, 9. Last evaluated: 2022-11-24. Review status: criteria provided, single submitter. Criteria: Invitae Variant Classification Sherloc (09022015). Collection method: clinical testing. Allele origin: germline.
Comment: In summary, the available evidence is currently insufficient to determine the role of this variant in disease. Therefore, it has been classified as a Variant of Uncertain Significance. Algorithms developed to predict the effect of missense changes on protein structure and function are either unavailable or do not agree on the potential impact of this missense change (SIFT: "Deleterious"; PolyPhen-2: "Probably Damaging"; Align-GVGD: "Class C0"). This variant has not been reported in the literature in individuals affected with IL17RC-related conditions. This variant is not present in population databases (gnomAD no frequency). This sequence change replaces leucine, which is neutral and non-polar, with arginine, which is basic and polar, at codon 393 of the IL17RC protein (p.Leu393Arg).